The following is an entry in ClinVar:

ClinVar aggregate classification (germline): Uncertain significance (1 of 4 stars; one submission).

gnomAD v4.1: 8 of 1,614,126 alleles (0.0005%); highest among the groups gnomAD compares: Non-Finnish European, 0.00068%; no homozygotes.

Submission:

Labcorp Genetics (formerly Invitae), Labcorp
Classification: Uncertain significance. Last evaluated: 2026-01-19. Review status: criteria provided, single submitter. Criteria: Invitae Variant Classification Sherloc (09022015). Collection method: clinical testing. Allele origin: germline.
Comment: This sequence change replaces glutamic acid, which is acidic and polar, with lysine, which is basic and polar, at codon 1378 of the DUOX2 protein (p.Glu1378Lys). This variant is present in population databases (rs761782725, gnomAD 0.0009%). This variant has not been reported in the literature in individuals affected with DUOX2-related conditions. ClinVar contains an entry for this variant (Variation ID: 3603447). Invitae Evidence Modeling of protein sequence and biophysical properties (such as structural, functional, and spatial information, amino acid conservation, physicochemical variation, residue mobility, and thermodynamic stability) indicates that this missense variant is expected to disrupt DUOX2 protein function with a positive predictive value of 80%. In summary, the available evidence is currently insufficient to determine the role of this variant in disease. Therefore, it has been classified as a Variant of Uncertain Significance.

NM_001363711.2(DUOX2):c.4132G>A (p.Glu1378Lys)

Gene: DUOX2 (dual oxidase 2; minus strand). Cytogenetic location: 15q21.1.
Variant type: single nucleotide variant.
Coding change: c.4132G>A on transcript NM_001363711.2 (MANE Select); coding-DNA position 4132, G replaced by A.
Protein change: p.Glu1378Lys; replaces glutamic acid 1378 with lysine.
Molecular consequence: missense variant.
Genome position (GRCh38, 1-based): chr15:45,095,544, C>T on the plus strand (G>A on the coding strand, the complement: DUOX2 is on the minus strand). VCF-style: chr15-45095544-C-T. GRCh37 (hg19) VCF-style: chr15-45387742-C-T.
Other names: c.4132G>A, p.Glu1378Lys (NM_014080.5); short protein forms E1378K.
Identifiers: ClinVar variation 3603447 (VCV003603447.2).
Genomic context (GRCh38, chr15:45,095,544, plus strand): 5'-CTTTGAGGATGGAGGCAAAGGGGGTGACCCCAATGCCCCCTCCCACCAACACTGACACCT[C>T]AAATTTATGCCACTCCTGATGGCCCTCTCCAAACGGTCCATCAAGGTACAGCTGCCAAGA-3'
Protein context (NP_001350640.1, residues 1368-1388): GEGHQEWHKF[Glu1378Lys]VSVLVGGGIG